The following is an entry in ClinVar:

ClinVar aggregate classification (germline): Uncertain significance. Review status: criteria provided, multiple submitters, no conflicts (2 of 4 stars). 2 submissions from 2 submitters: Uncertain significance (2). Last evaluated 2022-08-15.

Allele frequency attached by ClinVar (database versions not stated): gnomAD 0.00001; 1000 Genomes Project 30x 0.00016; 1000 Genomes Project 0.00020.

Submissions (2):

Labcorp Genetics (formerly Invitae), Labcorp
Classification: Uncertain significance. Last evaluated: 2022-08-15. Review status: criteria provided, single submitter. Criteria: Invitae Variant Classification Sherloc (09022015). Collection method: clinical testing. Allele origin: germline.
Comment: Algorithms developed to predict the effect of missense changes on protein structure and function (SIFT, PolyPhen-2, Align-GVGD) all suggest that this variant is likely to be tolerated. In summary, the available evidence is currently insufficient to determine the role of this variant in disease. Therefore, it has been classified as a Variant of Uncertain Significance. This variant has not been reported in the literature in individuals affected with DHX38-related conditions. This variant is not present in population databases (gnomAD no frequency). This sequence change replaces glycine, which is neutral and non-polar, with arginine, which is basic and polar, at codon 1213 of the DHX38 protein (p.Gly1213Arg).

Blueprint Genetics
Classification: Uncertain significance. Last evaluated: 2020-03-24. Review status: criteria provided, single submitter. Criteria: ACMG Guidelines, 2015. Collection method: clinical testing. Allele origin: germline.

NM_014003.4(DHX38):c.3637G>A (p.Gly1213Arg)

Gene: DHX38 (DEAH-box helicase 38; plus strand). Cytogenetic location: 16q22.2.
Variant type: single nucleotide variant.
Coding change: c.3637G>A on transcript NM_014003.4 (MANE Select); coding-DNA position 3637, G replaced by A.
Protein change: p.Gly1213Arg; replaces glycine 1213 with arginine.
Molecular consequence: missense variant.
Genome position (GRCh38, 1-based): chr16:72,112,450, G>A. VCF-style: chr16-72112450-G-A. GRCh37 (hg19) VCF-style: chr16-72146349-G-A.
Other names: short protein forms G1213R.
Identifiers: ClinVar variation 1950190 (VCV001950190.6), dbSNP rs192097920, ClinGen allele CA283695034.